The following is an entry in ClinVar:

ClinVar aggregate classification (germline): Uncertain significance. Review status: criteria provided, single submitter (1 of 4 stars). 2 submissions from 1 submitter: Uncertain significance (1). 1 of the submissions does not count toward it. Last evaluated 2022-04-11.

Conditions:
Neuronal ceroid lipofuscinosis. Also called: Neuronal Ceroid Lipofuscinoses. Identifiers: Orphanet 216, Orphanet 79263, MedGen C0027877, MONDO:0016295. Disease mechanism: loss of function.

Submissions (2):

Labcorp Genetics (formerly Invitae), Labcorp
Classification: Uncertain significance for Neuronal ceroid lipofuscinosis. Last evaluated: 2022-04-11. Review status: criteria provided, single submitter. Criteria: Invitae Variant Classification Sherloc (09022015). Collection method: clinical testing. Allele origin: germline.
Comment: A copy number gain of the genomic region encompassing the full coding sequence of the CLN6 gene has been identified. The boundaries of this event are unknown as they extend beyond the assayed region for this gene and therefore may encompass additional genes. As the precise location of this event is unknown, it may be in tandem or it may be located elsewhere in the genome. This variant has not been reported in the literature in individuals affected with CLN6-related conditions. In summary, the available evidence is currently insufficient to determine the role of this variant in disease. Therefore, it has been classified as a Variant of Uncertain Significance.

Labcorp Genetics (formerly Invitae), Labcorp
Classification: Uncertain significance. Last evaluated: 2021-07-15. Review status: flagged submission. Criteria: Invitae Variant Classification Sherloc (09022015). Collection method: clinical testing. Allele origin: germline. Not counted in ClinVar's aggregate classification.
Comment: A copy number gain of the genomic region encompassing the full coding sequence of the RAB11A gene has been identified. The boundaries of this event are unknown as they extend beyond the assayed region for this gene and therefore may encompass additional genes. As the precise location of this event is unknown, it may be in tandem or it may be located elsewhere in the genome. This variant has not been reported in the literature in individuals affected with RAB11A-related conditions. In summary, the available evidence is currently insufficient to determine the role of this variant in disease. Therefore, it has been classified as a Variant of Uncertain Significance.
ClinVar note: Reason: This record appears to be redundant with a more recent record from the same submitter.
ClinVar note: Notes: SCV002301620 appears to be redundant with SCV003795067.

NC_000015.9:g.(?_66161924)_(69018313_?)dup

Genes: FEM1B (fem-1 homolog B; plus strand), IQCH (IQ motif containing H; plus strand), ITGA11 (integrin subunit alpha 11; minus strand), CORO2B (coronin 2B; plus strand), DIS3L (DIS3 like exosome 3'-5' exoribonuclease; plus strand) and 18 more. Cytogenetic location: 15q22.31-23.
Variant type: Duplication.
Identifiers: ClinVar variation 1512687 (VCV001512687.5).